The following is an entry in ClinVar:

ClinVar aggregate classification (germline): Uncertain significance (1 of 4 stars; one submission).

gnomAD v4.1: 4 of 1,611,870 alleles (0.00025%); highest among the groups gnomAD compares: Admixed American, 0.0017%; no homozygotes.

Submission:

Labcorp Genetics (formerly Invitae), Labcorp
Classification: Uncertain significance. Last evaluated: 2024-03-19. Review status: criteria provided, single submitter. Criteria: Invitae Variant Classification Sherloc (09022015). Collection method: clinical testing. Allele origin: germline.
Comment: This sequence change replaces alanine, which is neutral and non-polar, with valine, which is neutral and non-polar, at codon 208 of the CD81 protein (p.Ala208Val). This variant is not present in population databases (gnomAD no frequency). This variant has not been reported in the literature in individuals affected with CD81-related conditions. An algorithm developed to predict the effect of missense changes on protein structure and function (PolyPhen-2) suggests that this variant is likely to be tolerated. In summary, the available evidence is currently insufficient to determine the role of this variant in disease. Therefore, it has been classified as a Variant of Uncertain Significance.

NM_004356.4(CD81):c.623C>T (p.Ala208Val)

Gene: CD81 (CD81 molecule; plus strand). Cytogenetic location: 11p15.5.
Variant type: single nucleotide variant.
Coding change: c.623C>T on transcript NM_004356.4 (MANE Select); coding-DNA position 623, C replaced by T.
Protein change: p.Ala208Val; replaces alanine 208 with valine.
Molecular consequence: missense variant.
Genome position (GRCh38, 1-based): chr11:2,396,689, C>T. VCF-style: chr11-2396689-C-T. GRCh37 (hg19) VCF-style: chr11-2417919-C-T.
Other names: c.410C>T, p.Ala137Val (NM_001297649.2, NM_001425129.1, NM_001425130.1 and 3 more transcripts); c.746C>T, p.Ala249Val (NM_001425135.1); c.620C>T, p.Ala207Val (NM_001425137.1); c.407C>T, p.Ala136Val (NM_001425138.1); short protein forms A137V, A207V, A208V, A249V, A136V.
Identifiers: ClinVar variation 3676560 (VCV003676560.2).